The following is an entry in ClinVar:

NM_021939.4(FKBP10):c.172G>A (p.Glu58Lys)

Gene: FKBP10 (FKBP prolyl isomerase 10; plus strand). Cytogenetic location: 17q21.2.
Variant type: single nucleotide variant.
Coding change: c.172G>A on transcript NM_021939.4 (MANE Select); coding-DNA position 172, G replaced by A.
Protein change: p.Glu58Lys; replaces glutamic acid 58 with lysine.
Molecular consequence: missense variant.
Genome position (GRCh38, 1-based): chr17:41,813,206, G>A. VCF-style: chr17-41813206-G-A. GRCh37 (hg19) VCF-style: chr17-39969458-G-A.
Other names: short protein forms E58K.
Identifiers: ClinVar variation 1517185 (VCV001517185.8), dbSNP rs2144041724, ClinGen allele CA399513693.

ClinVar aggregate classification (germline): Uncertain significance (1 of 4 stars; one submission).

Allele frequency attached by ClinVar (database versions not stated): gnomAD exomes 0.00002.

Submission:

Labcorp Genetics (formerly Invitae), Labcorp
Classification: Uncertain significance. Last evaluated: 2024-10-25. Review status: criteria provided, single submitter. Criteria: Invitae Variant Classification Sherloc (09022015). Collection method: clinical testing. Allele origin: germline.
Comment: This sequence change replaces glutamic acid, which is acidic and polar, with lysine, which is basic and polar, at codon 58 of the FKBP10 protein (p.Glu58Lys). This variant is not present in population databases (gnomAD no frequency). This variant has not been reported in the literature in individuals affected with FKBP10-related conditions. ClinVar contains an entry for this variant (Variation ID: 1517185). Invitae Evidence Modeling of protein sequence and biophysical properties (such as structural, functional, and spatial information, amino acid conservation, physicochemical variation, residue mobility, and thermodynamic stability) indicates that this missense variant is not expected to disrupt FKBP10 protein function with a negative predictive value of 80%. In summary, the available evidence is currently insufficient to determine the role of this variant in disease. Therefore, it has been classified as a Variant of Uncertain Significance.